The following is an entry in ClinVar:

NM_001033855.3(DCLRE1C):c.1828A>G (p.Lys610Glu)

Gene: DCLRE1C (DNA cross-link repair 1C; minus strand). Cytogenetic location: 10p13.
Variant type: single nucleotide variant.
Coding change: c.1828A>G on transcript NM_001033855.3 (MANE Select); coding-DNA position 1828, A replaced by G.
Protein change: p.Lys610Glu; replaces lysine 610 with glutamic acid.
Molecular consequence: missense variant. On other transcripts: non-coding transcript variant (3), intron variant (3).
Genome position (GRCh38, 1-based): chr10:14,908,659, T>C on the plus strand (A>G on the coding strand, the complement: DCLRE1C is on the minus strand). VCF-style: chr10-14908659-T-C. GRCh37 (hg19) VCF-style: chr10-14950658-T-C.
Other names: c.1468A>G, p.Lys490Glu (NM_001033857.3, NM_001033858.3, NM_001289077.2 and 1 more transcripts); c.1483A>G, p.Lys495Glu (NM_001289076.2, NM_001289078.2, NM_022487.4); c.1437+46A>G (NM_001350966.2); c.1782+46A>G (NM_001350965.2); c.1422+46A>G (NM_001350967.2); c.1828A>G (NM_001033855.1); short protein forms K490E, K495E, K610E.
Identifiers: ClinVar variation 989758 (VCV000989758.5), dbSNP rs575678692, ClinGen allele CA5416395.

ClinVar aggregate classification (germline): Conflicting classifications of pathogenicity. Review status: criteria provided, conflicting classifications (1 of 4 stars). 4 submissions from 4 submitters: Uncertain significance (2); Likely benign (1). 1 of the submissions does not count toward it. Last evaluated 2024-01-16.

Conditions:
Inborn genetic diseases. Identifiers: MedGen C0950123, MeSH D030342.
Histiocytic medullary reticulosis. Also called: SEVERE COMBINED IMMUNODEFICIENCY WITH HYPEREOSINOPHILIA; Omenn syndrome. Identifiers: Orphanet 39041, MedGen C2700553, MONDO:0011338, OMIM 603554.
Severe combined immunodeficiency due to DCLRE1C deficiency (RS-SCID). Also called: SCID, AUTOSOMAL RECESSIVE, T CELL-NEGATIVE, B CELL-NEGATIVE, NK CELL-POSITIVE, WITH SENSITIVITY TO IONIZING RADIATION. Identifiers: Orphanet 275, MedGen C1865371, MONDO:0011225, OMIM 602450.

Allele frequency attached by ClinVar (database versions not stated): gnomAD 0.00001; gnomAD exomes 0.00007 and 0.00015; ExAC 0.00016; 1000 Genomes Project 0.00020; 1000 Genomes Project 30x 0.00016.
gnomAD v4.1: 99 of 1,614,192 alleles (0.0061%); highest among the groups gnomAD compares: South Asian, 0.1%; 2 homozygotes.

Submissions (4):

Ambry Genetics
Classification: Uncertain significance for Inborn genetic diseases. Last evaluated: 2024-01-16. Review status: criteria provided, single submitter. Criteria: Ambry Variant Classification Scheme 2023. Collection method: clinical testing. Allele origin: germline.

Blueprint Genetics
Classification: Likely benign. Last evaluated: 2022-10-24. Review status: criteria provided, single submitter. Criteria: ACMG Guidelines, 2015. Collection method: clinical testing. Allele origin: germline.

Labcorp Genetics (formerly Invitae), Labcorp
Classification: Uncertain significance for Athabaskan severe combined immunodeficiency. Last evaluated: 2022-01-21. Review status: criteria provided, single submitter. Criteria: Invitae Variant Classification Sherloc (09022015). Collection method: clinical testing. Allele origin: germline.
Comment: This sequence change replaces lysine, which is basic and polar, with glutamic acid, which is acidic and polar, at codon 610 of the DCLRE1C protein (p.Lys610Glu). This variant is present in population databases (rs575678692, gnomAD 0.1%). This variant has not been reported in the literature in individuals affected with DCLRE1C-related conditions. ClinVar contains an entry for this variant (Variation ID: 989758). Algorithms developed to predict the effect of missense changes on protein structure and function output the following: SIFT: "Tolerated"; PolyPhen-2: "Benign"; Align-GVGD: "Class C0". The glutamic acid amino acid residue is found in multiple mammalian species, which suggests that this missense change does not adversely affect protein function. In summary, the available evidence is currently insufficient to determine the role of this variant in disease. Therefore, it has been classified as a Variant of Uncertain Significance.

Natera, Inc.
Classification: Likely benign for Omenn syndrome. Last evaluated: 2020-04-11. Review status: no assertion criteria provided. Collection method: clinical testing. Allele origin: germline. Not counted in ClinVar's aggregate classification.